The following is an entry in ClinVar:

ClinVar aggregate classification (germline): Benign (1 of 4 stars; one submission).

Conditions:
X-linked lymphoproliferative disease due to SH2D1A deficiency (XLP1). Also called: EBV infection severe susceptibility to; Epstein Barr virus infection familial fatal; Duncan's syndrome; DUNCAN DISEASE; IMMUNODEFICIENCY 5; IMMUNODEFICIENCY, X-LINKED PROGRESSIVE COMBINED VARIABLE. Identifiers: Orphanet 2442, Orphanet 538931, MedGen C5399825, MONDO:0024551, OMIM 308240.

Allele frequency attached by ClinVar (database versions not stated): gnomAD exomes 0.00425; gnomAD 0.02215 and 0.02353; 1000 Genomes Project 0.02437; TOPMed 0.02469; 1000 Genomes Project 30x 0.02934.
gnomAD v4.1: 2,700 of 165,097 alleles (1.6%); highest among the groups gnomAD compares: African/African-American, 7.5%; 68 homozygotes.

Submission:

Illumina Laboratory Services, Illumina
Classification: Benign for X-linked lymphoproliferative disease due to SH2D1A deficiency. Last evaluated: 2018-01-13. Review status: criteria provided, single submitter. Criteria: ICSL Variant Classification Criteria 13 December 2019. Collection method: clinical testing. Allele origin: germline.
Comment: This variant was observed in the ICSL laboratory as part of a predisposition screen in an ostensibly healthy population. It had not been previously curated by ICSL or reported in the Human Gene Mutation Database (HGMD: prior to June 1st, 2018), and was therefore a candidate for classification through an automated scoring system. Utilizing variant allele frequency, disease prevalence and penetrance estimates, and inheritance mode, an automated score was calculated to assess if this variant is too frequent to cause the disease. Based on the score and internal cut-off values, a variant classified as benign is not then subjected to further curation. The score for this variant resulted in a classification of benign for this disease.

NM_002351.5(SH2D1A):c.*866A>G

Gene: SH2D1A (SH2 domain containing 1A; plus strand). Cytogenetic location: Xq25.
Variant type: single nucleotide variant.
Coding change: c.*866A>G on transcript NM_002351.5 (MANE Select); 866 bases downstream of the stop codon, A replaced by G.
Molecular consequence: 3 prime UTR variant.
Genome position (GRCh38, 1-based): chrX:124,372,257, A>G. VCF-style: chrX-124372257-A-G. GRCh37 (hg19) VCF-style: chrX-123506107-A-G.
Other names: c.*866A>G (NM_001114937.3).
Identifiers: ClinVar variation 367883 (VCV000367883.5), dbSNP rs767771720, ClinGen allele CA10651679.